The following is an entry in ClinVar:

ClinVar aggregate classification (germline): Pathogenic/Likely pathogenic. Review status: criteria provided, multiple submitters, no conflicts (2 of 4 stars). 2 submissions from 2 submitters: Pathogenic (1); Likely pathogenic (1). Last evaluated 2026-01-11.

Conditions:
Telangiectasia, hereditary hemorrhagic, type 2 (HHT2). Also called: ACVRL1-Related Hereditary Hemorrhagic Telangiectasia; Telangiectasia, hereditary hemorrhagic, type II. Identifiers: Orphanet 774, MedGen C1838163, MONDO:0010880, OMIM 600376. Disease mechanism: loss of function.

Submissions (2):

Labcorp Genetics (formerly Invitae), Labcorp
Classification: Pathogenic for Telangiectasia, hereditary hemorrhagic, type 2. Last evaluated: 2026-01-11. Review status: criteria provided, single submitter. Criteria: Invitae Variant Classification Sherloc (09022015). Collection method: clinical testing. Allele origin: germline.
Comment: This sequence change creates a premature translational stop signal (p.Gln446*) in the ACVRL1 gene. While this is not anticipated to result in nonsense mediated decay, it is expected to disrupt the last 58 amino acid(s) of the ACVRL1 protein. This variant is not present in population databases (gnomAD no frequency). This premature translational stop signal has been observed in individuals with hemorrhagic telangiectasia (PMID: 21158752). ClinVar contains an entry for this variant (Variation ID: 419979). This variant disrupts a region of the ACVRL1 protein in which other variant(s) (p.Arg479*) have been determined to be pathogenic (PMID: 15024723, 15065824, 15517393, 15712271, 16429404, 16540754, 18673552, 21158752, 23722869). This suggests that this is a clinically significant region of the protein, and that variants that disrupt it are likely to be disease-causing. For these reasons, this variant has been classified as Pathogenic.

GeneDx
Classification: Likely pathogenic. Last evaluated: 2017-03-21. Review status: criteria provided, single submitter. Criteria: GeneDx Variant Classification (06012015). Collection method: clinical testing. Allele origin: germline. Affected: yes.
Comment: The Q446X variant in the ACVRL1 gene has been reported in one individual with HHT (McDonald et al., 2011). The Q446X variant is predicted to cause loss of normal protein function by protein truncation, as the last 58 amino acid residues of the protein are lost. Other nonsense variants in the ACVRL1 gene, including several downstream, have been reported in Human Gene Mutation Database in association with HHT (Stenson et al., 2014). Furthermore, the Q446X variant is not observed in large population cohorts (Lek et al., 2016; 1000 Genomes Consortium et al., 2015; Exome Variant Server). Nevertheless, this variant lacks a sufficient number of probands, segregation data, and functional studies to be able to definitively determine is pathogenicity.

Literature cited by the submitters: PubMed 21158752 (cited by Labcorp Genetics (formerly Invitae), Labcorp); PubMed 15024723 (cited by Labcorp Genetics (formerly Invitae), Labcorp); PubMed 15065824 (cited by Labcorp Genetics (formerly Invitae), Labcorp); PubMed 15517393 (cited by Labcorp Genetics (formerly Invitae), Labcorp); PubMed 15712271 (cited by Labcorp Genetics (formerly Invitae), Labcorp); PubMed 16429404 (cited by Labcorp Genetics (formerly Invitae), Labcorp); PubMed 16540754 (cited by Labcorp Genetics (formerly Invitae), Labcorp); PubMed 18673552 (cited by Labcorp Genetics (formerly Invitae), Labcorp); PubMed 23722869 (cited by Labcorp Genetics (formerly Invitae), Labcorp).

NM_000020.3(ACVRL1):c.1336C>T (p.Gln446Ter)

Gene: ACVRL1 (activin A receptor like type 1; plus strand). Cytogenetic location: 12q13.13.
Variant type: single nucleotide variant.
Coding change: c.1336C>T on transcript NM_000020.3 (MANE Select); coding-DNA position 1336, C replaced by T.
Protein change: p.Gln446Ter; replaces glutamine 446 with a stop codon.
Molecular consequence: nonsense.
Genome position (GRCh38, 1-based): chr12:51,919,074, C>T. VCF-style: chr12-51919074-C-T. GRCh37 (hg19) VCF-style: chr12-52312858-C-T.
Other names: c.1336C>T, p.Gln446Ter (NM_001077401.2); short protein forms Q446*.
Identifiers: ClinVar variation 419979 (VCV000419979.9), dbSNP rs1064794217, ClinGen allele CA16619571.